The following is an entry in ClinVar:

ClinVar aggregate classification (germline): Uncertain significance (1 of 4 stars; one submission).

Conditions:
Charcot-Marie-Tooth disease axonal type 2O. Also called: CHARCOT-MARIE-TOOTH NEUROPATHY, AXONAL, TYPE 2O; CHARCOT-MARIE-TOOTH DISEASE, AXONAL, AUTOSOMAL DOMINANT, TYPE 2O; Charcot-Marie-Tooth Neuropathy Type 2O; Charcot-Marie-Tooth disease, axonal, type 20. Identifiers: Orphanet 284232, MedGen C3280220, MONDO:0013644, OMIM 614228.

Submission:

Labcorp Genetics (formerly Invitae), Labcorp
Classification: Uncertain significance for Charcot-Marie-Tooth disease axonal type 2O. Last evaluated: 2024-05-07. Review status: criteria provided, single submitter. Criteria: Invitae Variant Classification Sherloc (09022015). Collection method: clinical testing. Allele origin: germline.
Comment: This sequence change replaces valine, which is neutral and non-polar, with aspartic acid, which is acidic and polar, at codon 499 of the DYNC1H1 protein (p.Val499Asp). This variant is not present in population databases (gnomAD no frequency). This variant has not been reported in the literature in individuals affected with DYNC1H1-related conditions. ClinVar contains an entry for this variant (Variation ID: 2010047). Advanced modeling of protein sequence and biophysical properties (such as structural, functional, and spatial information, amino acid conservation, physicochemical variation, residue mobility, and thermodynamic stability) performed at Invitae indicates that this missense variant is not expected to disrupt DYNC1H1 protein function with a negative predictive value of 95%. In summary, the available evidence is currently insufficient to determine the role of this variant in disease. Therefore, it has been classified as a Variant of Uncertain Significance.

NM_001376.5(DYNC1H1):c.1496T>A (p.Val499Asp)

Gene: DYNC1H1 (dynein cytoplasmic 1 heavy chain 1; plus strand). Cytogenetic location: 14q32.31.
Variant type: single nucleotide variant.
Coding change: c.1496T>A on transcript NM_001376.5 (MANE Select); coding-DNA position 1496, T replaced by A.
Protein change: p.Val499Asp; replaces valine 499 with aspartic acid.
Molecular consequence: missense variant.
Genome position (GRCh38, 1-based): chr14:101,985,721, T>A. VCF-style: chr14-101985721-T-A. GRCh37 (hg19) VCF-style: chr14-102452058-T-A.
Other names: short protein forms V499D.
Identifiers: ClinVar variation 2010047 (VCV002010047.4), dbSNP rs760345114, ClinGen allele CA391017910.